The following is an entry in ClinVar:

NM_138576.4(BCL11B):c.827_835del (p.Gln276_Pro278del)

Gene: BCL11B (BCL11 transcription factor B; minus strand). Cytogenetic location: 14q32.2.
Variant type: Deletion.
Coding change: c.827_835del on transcript NM_138576.4 (MANE Select); coding-DNA positions 827 to 835, 9 bases deleted (AGTCCCCGC; older notation c.827_835delAGTCCCCGC).
Protein change: p.Gln276_Pro278del.
Genome position (GRCh38, 1-based): chr14:99,176,001-99,176,009, GCGGGGACT deleted on the plus strand (AGTCCCCGC on the coding strand, the reverse complement: BCL11B is on the minus strand); deleting any 9 consecutive bases within chr14:99,176,001-99,176,012 gives the same sequence; the c. name uses the placement nearest the transcript's 3' end. VCF-style (leftmost placement, unchanged base first): chr14-99176000-AGCGGGGACT-A. GRCh37 (hg19) VCF-style: chr14-99642337-AGCGGGGACT-A.
Other names: c.824_832del, p.Gln275_Pro277del (NM_001282237.2); c.611_619del, p.Gln204_Pro206del (NM_001282238.2); c.614_622del, p.Gln205_Pro207del (NM_022898.3).
Identifiers: ClinVar variation 3658896 (VCV003658896.2).

ClinVar aggregate classification (germline): Uncertain significance (1 of 4 stars; one submission).

Submission:

Labcorp Genetics (formerly Invitae), Labcorp
Classification: Uncertain significance. Last evaluated: 2024-07-06. Review status: criteria provided, single submitter. Criteria: Invitae Variant Classification Sherloc (09022015). Collection method: clinical testing. Allele origin: germline.
Comment: This variant, c.827_835del, results in the deletion of 3 amino acid(s) of the BCL11B protein (p.Gln276_Pro278del), but otherwise preserves the integrity of the reading frame. This variant is not present in population databases (gnomAD no frequency). This variant has not been reported in the literature in individuals affected with BCL11B-related conditions. Experimental studies and prediction algorithms are not available or were not evaluated, and the functional significance of this variant is currently unknown. In summary, the available evidence is currently insufficient to determine the role of this variant in disease. Therefore, it has been classified as a Variant of Uncertain Significance.